The following is an entry in ClinVar:

ClinVar aggregate classification (germline): Uncertain significance (1 of 4 stars; one submission).

Conditions:
Inborn genetic diseases. Identifiers: MedGen C0950123, MeSH D030342.

Submission:

Ambry Genetics
Classification: Uncertain significance for Inborn genetic diseases. Last evaluated: 2025-08-10. Review status: criteria provided, single submitter. Criteria: Ambry Variant Classification Scheme 2023. Collection method: clinical testing. Allele origin: germline.
Comment: The p.P835S variant (also known as c.2503C>T), located in coding exon 13 of the ASXL1 gene, results from a C to T substitution at nucleotide position 2503. The proline at codon 835 is replaced by serine, an amino acid with similar properties. This amino acid position is conserved. In addition, this alteration is predicted to be tolerated by in silico analysis. Based on the available evidence, the clinical significance of this variant remains unclear.

NM_015338.6(ASXL1):c.2503C>T (p.Pro835Ser)

Gene: ASXL1 (ASXL transcriptional regulator 1; plus strand). Cytogenetic location: 20q11.21.
Variant type: single nucleotide variant.
Coding change: c.2503C>T on transcript NM_015338.6 (MANE Select); coding-DNA position 2503, C replaced by T.
Protein change: p.Pro835Ser; replaces proline 835 with serine.
Molecular consequence: missense variant.
Genome position (GRCh38, 1-based): chr20:32,435,215, C>T. VCF-style: chr20-32435215-C-T. GRCh37 (hg19) VCF-style: chr20-31023018-C-T.
Other names: c.2320C>T, p.Pro774Ser (NM_001363734.1); short protein forms P835S, P774S.
Identifiers: ClinVar variation 4158838 (VCV004158838.1).
Genomic context (GRCh38, chr20:32,435,215, plus strand): 5'-CCGTCTCTAGTGGGAGATGATACATTAGAGAAAGGAACTGGCCAAGCTCTTGACAGTCAT[C>T]CCACTATGAAGGATCCTGTAAATGTGACCCCCAGTTCCACACCTGAATCCTCACCGACTG-3'
Protein context (NP_056153.2, residues 825-845): KGTGQALDSH[Pro835Ser]TMKDPVNVTP